The following is an entry in ClinVar:

NM_006267.5(RANBP2):c.5798G>A (p.Gly1933Asp)

Gene: RANBP2 (RAN binding protein 2; plus strand). Cytogenetic location: 2q13.
Variant type: single nucleotide variant.
Coding change: c.5798G>A on transcript NM_006267.5 (MANE Select); coding-DNA position 5798, G replaced by A.
Protein change: p.Gly1933Asp; replaces glycine 1933 with aspartic acid.
Molecular consequence: missense variant.
Genome position (GRCh38, 1-based): chr2:108,766,337, G>A. VCF-style: chr2-108766337-G-A. GRCh37 (hg19) VCF-style: chr2-109382793-G-A.
Other names: short protein forms G1933D.
Identifiers: ClinVar variation 855057 (VCV000855057.10), dbSNP rs1677118560, ClinGen allele CA348073862.
Genomic context (GRCh38, chr2:108,766,337, plus strand): 5'-AAAAGCCTCTTGAAAATGGTACTGGCTTCCAGGCTCAGGATATTAGTGGCCAGAAGAATG[G>A]CCGTGGTGTGATTTTTGGCCAAACAAGTAGCACTTTTACATTTGCAGATCTTGCAAAATC-3'
Protein context (NP_006258.3, residues 1923-1943): QAQDISGQKN[Gly1933Asp]RGVIFGQTSS

ClinVar aggregate classification (germline): Uncertain significance (1 of 4 stars; one submission).

Conditions:
Familial acute necrotizing encephalopathy (IIAE3). Also called: ENCEPHALOPATHY, ACUTE, INFECTION-INDUCED, SUSCEPTIBILITY TO, 3; Susceptibility to Acute Necrotizing Encephalopathy 1. Identifiers: Orphanet 88619, MedGen C2675556, MONDO:0011953, OMIM 608033.

Submission:

Labcorp Genetics (formerly Invitae), Labcorp
Classification: Uncertain significance for Familial acute necrotizing encephalopathy. Last evaluated: 2019-02-04. Review status: criteria provided, single submitter. Criteria: Invitae Variant Classification Sherloc (09022015). Collection method: clinical testing. Allele origin: germline.
Comment: Algorithms developed to predict the effect of missense changes on protein structure and function output the following: SIFT: "Tolerated"; PolyPhen-2: "Benign"; Align-GVGD: "Class C15". The aspartic acid amino acid residue is found in multiple mammalian species, suggesting that this missense change does not adversely affect protein function. These predictions have not been confirmed by published functional studies and their clinical significance is uncertain. In summary, the available evidence is currently insufficient to determine the role of this variant in disease. Therefore, it has been classified as a Variant of Uncertain Significance. This variant has not been reported in the literature in individuals with RANBP2-related conditions. This variant is not present in population databases (ExAC no frequency). This sequence change replaces glycine with aspartic acid at codon 1933 of the RANBP2 protein (p.Gly1933Asp). The glycine residue is highly conserved and there is a moderate physicochemical difference between glycine and aspartic acid.